The following is an entry in ClinVar:

NM_000719.7(CACNA1C):c.6368C>G (p.Pro2123Arg)

Genes: CACNA1C-AS1 (CACNA1C antisense RNA 1; minus strand), CACNA1C (calcium voltage-gated channel subunit alpha1 C; plus strand). Cytogenetic location: 12p13.33.
Variant type: single nucleotide variant.
Coding change: c.6368C>G on transcript NM_000719.7 (MANE Select); coding-DNA position 6368, C replaced by G.
Protein change: p.Pro2123Arg; replaces proline 2123 with arginine.
Molecular consequence: missense variant. On other transcripts: non-coding transcript variant (1).
Genome position (GRCh38, 1-based): chr12:2,691,150, C>G. VCF-style: chr12-2691150-C-G. GRCh37 (hg19) VCF-style: chr12-2800316-C-G.
Other names: c.6512C>G, p.Pro2171Arg (NM_001129827.2); c.6491C>G, p.Pro2164Arg (NM_001129829.2); c.6473C>G, p.Pro2158Arg (NM_001129830.3, NM_001167624.3); c.6452C>G, p.Pro2151Arg (NM_001129831.2); c.6428C>G, p.Pro2143Arg (NM_001129832.2); c.6425C>G, p.Pro2142Arg (NM_001129833.2, NM_001129834.2, NM_001129835.2); c.6419C>G, p.Pro2140Arg (NM_001129836.2); c.6392C>G, p.Pro2131Arg (NM_001129837.2, NM_001129838.2); and 6 more; short protein forms P2158R, P2123R, P2171R, P2140R, P2183R, P2112R, P2129R, P2131R.
Identifiers: ClinVar variation 581655 (VCV000581655.15), dbSNP rs970305864, ClinGen allele CA231619987.

ClinVar aggregate classification (germline): Uncertain significance. Review status: criteria provided, multiple submitters, no conflicts (2 of 4 stars). 3 submissions from 3 submitters: Uncertain significance (3). Last evaluated 2026-06-15.

Conditions:
Cardiovascular phenotype. Identifiers: MedGen CN230736.
CACNA1C-related disorder. Also called: CACNA1C-related condition; CACNA1C-related disorders. Identifiers: MedGen CN381092, MONDO:0700321.
Long QT syndrome (LQTS). Identifiers: MedGen C0023976, MeSH D008133, MONDO:0002442. Disease mechanism: loss of function. Inheritance: Various modes of inheritance.

Allele frequency attached by ClinVar (database versions not stated): gnomAD 0.00003 and 0.00002; TOPMed 0.00003.
gnomAD v4.1: 4 of 1,605,772 alleles (0.00025%); highest among the groups gnomAD compares: African/African-American, 0.0054%; no homozygotes.

Submissions (3):

PreventionGenetics, part of Exact Sciences
Classification: Uncertain significance for CACNA1C-related condition. Last evaluated: 2026-06-15. Review status: criteria provided, single submitter. Criteria: ACMG Guidelines, 2015. Collection method: clinical testing. Allele origin: germline.
Comment: The CACNA1C c.6368C>G variant is predicted to result in the amino acid substitution p.Pro2123Arg. This variant has been reported as a variant of uncertain significance in a cohort of individuals referred for genetic testing of cardiomyopathy and/or arrhythmia; however, detailed clinical information was not available (Supplement 2, Dellefave-Castillo et al. 2022. PubMed ID: 35947370). This variant has not been reported in a large population database (gnomAD), indicating this variant is rare. At this time, the clinical significance of this variant is uncertain due to the absence of conclusive functional and genetic evidence.

Labcorp Genetics (formerly Invitae), Labcorp
Classification: Uncertain significance for Long QT syndrome. Last evaluated: 2025-10-08. Review status: criteria provided, single submitter. Criteria: Invitae Variant Classification Sherloc (09022015). Collection method: clinical testing. Allele origin: germline.
Comment: This sequence change replaces proline, which is neutral and non-polar, with arginine, which is basic and polar, at codon 2123 of the CACNA1C protein (p.Pro2123Arg). This variant is not present in population databases (gnomAD no frequency). This variant has not been reported in the literature in individuals affected with CACNA1C-related conditions. ClinVar contains an entry for this variant (Variation ID: 581655). Invitae Evidence Modeling of protein sequence and biophysical properties (such as structural, functional, and spatial information, amino acid conservation, physicochemical variation, residue mobility, and thermodynamic stability) indicates that this missense variant is not expected to disrupt CACNA1C protein function with a negative predictive value of 95%. In summary, the available evidence is currently insufficient to determine the role of this variant in disease. Therefore, it has been classified as a Variant of Uncertain Significance.

Ambry Genetics
Classification: Uncertain significance for Cardiovascular phenotype. Last evaluated: 2020-11-25. Review status: criteria provided, single submitter. Criteria: Ambry Variant Classification Scheme 2023. Collection method: clinical testing. Allele origin: germline.
Comment: The p.P2123R variant (also known as c.6368C>G), located in coding exon 47 of the CACNA1C gene, results from a C to G substitution at nucleotide position 6368. The proline at codon 2123 is replaced by arginine, an amino acid with dissimilar properties. This amino acid position is poorly conserved in available vertebrate species, and arginine is the reference amino acid in other vertebrate species. In addition, this alteration is predicted to be tolerated by in silico analysis. Since supporting evidence is limited at this time, the clinical significance of this alteration remains unclear.